The following is an entry in ClinVar:

NM_015973.5(GAL):c.216G>A (p.Met72Ile)

Gene: GAL (galanin and GMAP prepropeptide; plus strand). Cytogenetic location: 11q13.2.
Variant type: single nucleotide variant.
Coding change: c.216G>A on transcript NM_015973.5 (MANE Select); coding-DNA position 216, G replaced by A.
Protein change: p.Met72Ile; replaces methionine 72 with isoleucine.
Molecular consequence: missense variant.
Genome position (GRCh38, 1-based): chr11:68,688,093, G>A. VCF-style: chr11-68688093-G-A. GRCh37 (hg19) VCF-style: chr11-68455561-G-A.
Other names: short protein forms M72I.
Identifiers: ClinVar variation 1051811 (VCV001051811.7), dbSNP rs375393105, ClinGen allele CA6151486.

ClinVar aggregate classification (germline): Uncertain significance (1 of 4 stars; one submission).

Conditions:
Familial temporal lobe epilepsy 8. Identifiers: Orphanet 101046, MedGen C4225318, MONDO:0014650, OMIM 616461.

Allele frequency attached by ClinVar (database versions not stated): gnomAD exomes 0.00001 and 0.00003; ExAC 0.00003; gnomAD 0.00005; ESP Exome Variant Server 0.00008; TOPMed 0.00010.
gnomAD v4.1: 18 of 1,605,322 alleles (0.0011%); highest among the groups gnomAD compares: African/African-American, 0.024%; no homozygotes.

Submission:

Labcorp Genetics (formerly Invitae), Labcorp
Classification: Uncertain significance for Familial temporal lobe epilepsy 8. Last evaluated: 2020-09-01. Review status: criteria provided, single submitter. Criteria: Invitae Variant Classification Sherloc (09022015). Collection method: clinical testing. Allele origin: germline.
Comment: Algorithms developed to predict the effect of missense changes on protein structure and function are either unavailable or do not agree on the potential impact of this missense change (SIFT: "Not Available"; PolyPhen-2: "Benign"; Align-GVGD: "Not Available"). In summary, the available evidence is currently insufficient to determine the role of this variant in disease. Therefore, it has been classified as a Variant of Uncertain Significance. This variant has not been reported in the literature in individuals with GAL-related conditions. This variant is present in population databases (rs375393105, ExAC 0.04%). This sequence change replaces methionine with isoleucine at codon 72 of the GAL protein (p.Met72Ile). The methionine residue is weakly conserved and there is a small physicochemical difference between methionine and isoleucine.